The following is an entry in ClinVar:

NM_001365088.1(SLC12A6):c.2305T>G (p.Leu769Val)

Gene: SLC12A6 (solute carrier family 12 member 6; minus strand). Cytogenetic location: 15q14.
Variant type: single nucleotide variant.
Coding change: c.2305T>G on transcript NM_001365088.1 (MANE Select); coding-DNA position 2305, T replaced by G.
Protein change: p.Leu769Val; replaces leucine 769 with valine.
Molecular consequence: missense variant.
Genome position (GRCh38, 1-based): chr15:34,240,792, A>C on the plus strand (T>G on the coding strand, the complement: SLC12A6 is on the minus strand). VCF-style: chr15-34240792-A-C. GRCh37 (hg19) VCF-style: chr15-34532993-A-C.
Other names: c.2128T>G, p.Leu710Val (NM_001042494.2, NM_001042495.2); c.2278T>G, p.Leu760Val (NM_001042496.2); c.2260T>G, p.Leu754Val (NM_001042497.2); c.2152T>G, p.Leu718Val (NM_005135.2); c.2305T>G, p.Leu769Val (NM_133647.2); short protein forms L769V, L710V, L718V, L754V, L760V.
Identifiers: ClinVar variation 1369818 (VCV001369818.5), dbSNP rs1044724997, ClinGen allele CA268662504.
Genomic context (GRCh38, chr15:34,240,792, plus strand): 5'-GACCTTTTCCTGCTTTGAGCTGTGAGGCAAAGGTGAGGAGGCGAGGATGCTTGACATGTA[A>C]GTCTTCATCTAGTTTCAGTAATACAAGCAACTGAGGCCTGTGAAGAGGTTGGTGGGGGTT-3'
Protein context (NP_001352017.1, residues 759-779): LLVLLKLDED[Leu769Val]HVKHPRLLTF

ClinVar aggregate classification (germline): Uncertain significance (1 of 4 stars; one submission).

Allele frequency attached by ClinVar (database versions not stated): TOPMed below 0.00001; gnomAD exomes 0.00001.
gnomAD v4.1: 19 of 1,614,072 alleles (0.0012%); highest among the groups gnomAD compares: Non-Finnish European, 0.0016%; no homozygotes.

Submission:

Labcorp Genetics (formerly Invitae), Labcorp
Classification: Uncertain significance. Last evaluated: 2021-08-14. Review status: criteria provided, single submitter. Criteria: Invitae Variant Classification Sherloc (09022015). Collection method: clinical testing. Allele origin: germline.
Comment: This sequence change replaces leucine with valine at codon 769 of the SLC12A6 protein (p.Leu769Val). The leucine residue is moderately conserved and there is a small physicochemical difference between leucine and valine. This variant is not present in population databases (ExAC no frequency). This variant has not been reported in the literature in individuals affected with SLC12A6-related conditions. Advanced modeling of protein sequence and biophysical properties (such as structural, functional, and spatial information, amino acid conservation, physicochemical variation, residue mobility, and thermodynamic stability) performed at Invitae indicates that this missense variant is not expected to disrupt SLC12A6 protein function. In summary, the available evidence is currently insufficient to determine the role of this variant in disease. Therefore, it has been classified as a Variant of Uncertain Significance.